The following is an entry in ClinVar:

NM_006739.4(MCM5):c.499C>T (p.Arg167Cys)

Gene: MCM5 (minichromosome maintenance complex component 5; plus strand). Cytogenetic location: 22q12.3.
Variant type: single nucleotide variant.
Coding change: c.499C>T on transcript NM_006739.4 (MANE Select); coding-DNA position 499, C replaced by T.
Protein change: p.Arg167Cys; replaces arginine 167 with cysteine.
Molecular consequence: missense variant.
Genome position (GRCh38, 1-based): chr22:35,406,628, C>T. VCF-style: chr22-35406628-C-T. GRCh37 (hg19) VCF-style: chr22-35802621-C-T.
Other names: c.499C>T (NM_006739.3); short protein forms R167C.
Identifiers: ClinVar variation 1481098 (VCV001481098.7), dbSNP rs181776514, ClinGen allele CA10205055.
Genomic context (GRCh38, chr22:35,406,628, plus strand): 5'-CACCTGGTGAAGATCCCTGGCATCATCATCGCGGCCTCTGCGGTCCGTGCCAAGGCCACC[C>T]GCATCTCTATCCAGTGCCGCAGCTGCCGCAACACCCTCACCAACATTGCCATGCGCCCTG-3'
Protein context (NP_006730.2, residues 157-177): AASAVRAKAT[Arg167Cys]ISIQCRSCRN

ClinVar aggregate classification (germline): Uncertain significance. Review status: criteria provided, multiple submitters, no conflicts (2 of 4 stars). 2 submissions from 2 submitters: Uncertain significance (2). Last evaluated 2025-08-03.

Allele frequency attached by ClinVar (database versions not stated): gnomAD exomes 0.00004 and 0.00008; ExAC 0.00009; gnomAD 0.00013 and 0.00015; TOPMed 0.00024; 1000 Genomes Project 0.00040; 1000 Genomes Project 30x 0.00047.
gnomAD v4.1: 88 of 1,613,184 alleles (0.0055%); highest among the groups gnomAD compares: South Asian, 0.038%; no homozygotes.

Submissions (2):

Ambry Genetics
Classification: Uncertain significance. Last evaluated: 2025-08-03. Review status: criteria provided, single submitter. Criteria: Ambry Variant Classification Scheme 2023. Collection method: clinical testing. Allele origin: germline.

Labcorp Genetics (formerly Invitae), Labcorp
Classification: Uncertain significance. Last evaluated: 2025-07-09. Review status: criteria provided, single submitter. Criteria: Invitae Variant Classification Sherloc (09022015). Collection method: clinical testing. Allele origin: germline.
Comment: This sequence change replaces arginine, which is basic and polar, with cysteine, which is neutral and slightly polar, at codon 167 of the MCM5 protein (p.Arg167Cys). This variant is present in population databases (rs181776514, gnomAD 0.04%). This variant has not been reported in the literature in individuals affected with MCM5-related conditions. ClinVar contains an entry for this variant (Variation ID: 1481098). Invitae Evidence Modeling of protein sequence and biophysical properties (such as structural, functional, and spatial information, amino acid conservation, physicochemical variation, residue mobility, and thermodynamic stability) indicates that this missense variant is not expected to disrupt MCM5 protein function with a negative predictive value of 80%. In summary, the available evidence is currently insufficient to determine the role of this variant in disease. Therefore, it has been classified as a Variant of Uncertain Significance.